The following is an entry in ClinVar:

ClinVar aggregate classification (germline): Likely benign (1 of 4 stars; one submission).

Allele frequency attached by ClinVar (database versions not stated): gnomAD 0.00001; gnomAD exomes 0.00001; ExAC 0.00002; TOPMed 0.00002.
gnomAD v4.1: 17 of 1,590,996 alleles (0.0011%); highest among the groups gnomAD compares: South Asian, 0.0046%; no homozygotes.

Submission:

CeGaT Center for Human Genetics Tuebingen
Classification: Likely benign. Last evaluated: 2023-02-01. Review status: criteria provided, single submitter. Criteria: CeGaT Center For Human Genetics Tuebingen Variant Classification Criteria Version 2. Collection method: clinical testing. Allele origin: germline. Affected: yes. Observed: 1 variant allele.
Comment: SOX5: BP4, BP7

NM_006940.6(SOX5):c.546G>A (p.Ser182=)

Gene: SOX5 (SRY-box transcription factor 5; minus strand). Cytogenetic location: 12p12.1.
Variant type: single nucleotide variant.
Coding change: c.546G>A on transcript NM_006940.6 (MANE Select); coding-DNA position 546, G replaced by A.
Protein change: p.Ser182=; no amino-acid change (serine 182 retained).
Molecular consequence: synonymous variant.
Genome position (GRCh38, 1-based): chr12:23,755,660, C>T on the plus strand (G>A on the coding strand, the complement: SOX5 is on the minus strand). VCF-style: chr12-23755660-C-T. GRCh37 (hg19) VCF-style: chr12-23908594-C-T.
Other names: c.507G>A, p.Ser169= (NM_001261414.3, NM_152989.5); c.516G>A, p.Ser172= (NM_001261415.3); c.441G>A, p.Ser147= (NM_001330785.2).
Identifiers: ClinVar variation 2642786 (VCV002642786.24), dbSNP rs776415035, ClinGen allele CA6484342.
Genomic context (GRCh38, chr12:23,755,660, plus strand): 5'-TTGGTACATTTTGGATAAAAACAATCACACCATATTACCTTTTATTTCGCCAAAGTTCCC[C>T]GATCCCATTGCAAGAAGCTTGTCTTTCCAGTCCTTTGAGAGTAGTTTTTCAATACTGGGG-3'
Protein context (NP_008871.3, residues 172-192): DWKDKLLAMG[Ser182=]GNFGEIKGTP